The following is an entry in ClinVar:

ClinVar aggregate classification (germline): Conflicting classifications of pathogenicity. Review status: criteria provided, conflicting classifications (1 of 4 stars). 9 submissions from 9 submitters: Uncertain significance (4); Likely benign (5). Last evaluated 2026-04-15.

Conditions:
Hereditary cancer-predisposing syndrome. Also called: Neoplastic Syndromes, Hereditary; Tumor predisposition; Hereditary Cancer Syndrome; Hereditary neoplastic syndrome. Identifiers: Orphanet 140162, MedGen C0027672, MeSH D009386, MONDO:0015356.
Holoprosencephaly 7 (HPE7). Identifiers: Orphanet 2162, MedGen C1835820, MONDO:0012562, OMIM 610828.
Basal cell carcinoma, susceptibility to, 1. Also called: BCC1. Identifiers: MedGen C2751544, MONDO:0011556, OMIM 605462.
Gorlin syndrome. Also called: Nevoid Basal Cell Carcinoma Syndrome; Basal cell nevus syndrome. Identifiers: Orphanet 377, MedGen C0004779, MONDO:0007187.
PTCH1-related disorder. Also called: PTCH1-related disorders; PTCH1-related condition.

Allele frequency attached by ClinVar (database versions not stated): ExAC 0.00003; gnomAD 0.00004 and 0.00005; gnomAD exomes 0.00006 and 0.00023; TOPMed 0.00007.
gnomAD v4.1: 333 of 1,614,104 alleles (0.021%); highest among the groups gnomAD compares: Middle Eastern, 0.033%; 1 homozygote.

Submissions (9):

PreventionGenetics, part of Exact Sciences
Classification: Likely benign for PTCH1-related condition. Last evaluated: 2026-04-15. Review status: criteria provided, single submitter. Criteria: ACMG Guidelines, 2015. Collection method: clinical testing. Allele origin: germline.
Comment: This variant is classified as likely benign based on ACMG/AMP sequence variant interpretation guidelines (Richards et al. 2015 PMID: 25741868, with internal and published modifications).

Labcorp Genetics (formerly Invitae), Labcorp
Classification: Likely benign for Gorlin syndrome. Last evaluated: 2026-01-26. Review status: criteria provided, single submitter. Criteria: Invitae Variant Classification Sherloc (09022015). Collection method: clinical testing. Allele origin: germline.

Mayo Clinic Laboratories, Mayo Clinic
Classification: Uncertain significance. Last evaluated: 2025-05-14. Review status: criteria provided, single submitter. Criteria: ACMG Guidelines, 2015. Collection method: clinical testing. Allele origin: germline. Observed: 2 variant alleles.

Blueprint Genetics
Classification: Likely benign. Last evaluated: 2024-11-27. Review status: criteria provided, single submitter. Criteria: ACMG Guidelines, 2015. Collection method: clinical testing. Allele origin: germline.

Quest Diagnostics Nichols Institute San Juan Capistrano
Classification: Uncertain significance. Last evaluated: 2022-12-15. Review status: criteria provided, single submitter. Criteria: Quest Diagnostics criteria. Collection method: clinical testing. Allele origin: unknown.
Comment: To the best of our knowledge, the variant has not been reported in the published literature. The frequency of this variant in the general population, 0.0001 (13/129200 chromosomes in European (Non-Finnish) subpopulation), is higher than would generally be expected for pathogenic variants in this gene. Analysis of this variant using bioinformatics tools for the prediction of the effect of amino acid changes on protein structure and function yielded conflicting predictions that this variant is deleterious or benign. Based on the available information, we are unable to determine the clinical significance of this variant.

Sema4
Classification: Likely benign for Hereditary cancer-predisposing syndrome. Last evaluated: 2021-09-01. Review status: criteria provided, single submitter. Criteria: Sema4 Curation Guidelines. Collection method: curation. Allele origin: germline.

St. Jude Molecular Pathology, St. Jude Children's Research Hospital
Classification: Uncertain significance for Gorlin syndrome. Last evaluated: 2021-02-11. Review status: criteria provided, single submitter. Criteria: St. Jude Assertion Criteria 2020. Collection method: clinical testing. Allele origin: germline.

Ambry Genetics
Classification: Likely benign for Hereditary cancer-predisposing syndrome. Last evaluated: 2021-01-11. Review status: criteria provided, single submitter. Criteria: Ambry Variant Classification Scheme 2023. Collection method: clinical testing. Allele origin: germline.

Fulgent Genetics
Classification: Uncertain significance for Basal cell nevus syndrome 1; Basal cell carcinoma, susceptibility to, 1; Holoprosencephaly 7. Last evaluated: 2018-10-31. Review status: criteria provided, single submitter. Criteria: ACMG Guidelines, 2015. Collection method: clinical testing. Allele origin: unknown.

NM_000264.5(PTCH1):c.2635G>A (p.Asp879Asn)

Gene: PTCH1 (patched 1; minus strand). Cytogenetic location: 9q22.32.
Variant type: single nucleotide variant.
Coding change: c.2635G>A on transcript NM_000264.5 (MANE Select); coding-DNA position 2635, G replaced by A.
Protein change: p.Asp879Asn; replaces aspartic acid 879 with asparagine.
Molecular consequence: missense variant. On other transcripts: non-coding transcript variant (1).
Genome position (GRCh38, 1-based): chr9:95,461,924, C>T on the plus strand (G>A on the coding strand, the complement: PTCH1 is on the minus strand). VCF-style: chr9-95461924-C-T. GRCh37 (hg19) VCF-style: chr9-98224206-C-T.
Other names: p.Asp879Asn; c.2635G>A (NM_000264.4); c.2437G>A, p.Asp813Asn (NM_001083602.3); c.2632G>A, p.Asp878Asn (NM_001083603.3); c.2182G>A, p.Asp728Asn (NM_001083604.3, NM_001083605.3, NM_001083606.3 and 1 more transcripts); c.2479G>A, p.Asp827Asn (NM_001354918.2); short protein forms D813N, D879N, D728N, D878N, D827N.
Identifiers: ClinVar variation 216378 (VCV000216378.27), dbSNP rs750373573, ClinGen allele CA339119.